The following is an entry in ClinVar:

NM_138927.4(SON):c.5030A>G (p.Lys1677Arg)

Gene: SON (SON DNA and RNA binding protein; plus strand). Cytogenetic location: 21q22.11.
Variant type: single nucleotide variant.
Coding change: c.5030A>G on transcript NM_138927.4 (MANE Select); coding-DNA position 5030, A replaced by G.
Protein change: p.Lys1677Arg; replaces lysine 1677 with arginine.
Molecular consequence: missense variant. On other transcripts: non-coding transcript variant (1), intron variant (1).
Genome position (GRCh38, 1-based): chr21:33,554,261, A>G. VCF-style: chr21-33554261-A-G. GRCh37 (hg19) VCF-style: chr21-34926567-A-G.
Other names: c.5030A>G, p.Lys1677Arg (NM_001291411.2, NM_001412133.1, NM_032195.3 and 2 more transcripts); c.245-2895A>G (NM_001291412.3); short protein forms K1677R.
Identifiers: ClinVar variation 2713059 (VCV002713059.3), dbSNP rs2085899441, ClinGen allele CA410163905.

ClinVar aggregate classification (germline): Uncertain significance (1 of 4 stars; one submission).

Submission:

Labcorp Genetics (formerly Invitae), Labcorp
Classification: Uncertain significance. Last evaluated: 2024-04-22. Review status: criteria provided, single submitter. Criteria: Invitae Variant Classification Sherloc (09022015). Collection method: clinical testing. Allele origin: germline.
Comment: This sequence change replaces lysine, which is basic and polar, with arginine, which is basic and polar, at codon 1677 of the SON protein (p.Lys1677Arg). This variant is not present in population databases (gnomAD no frequency). This variant has not been reported in the literature in individuals affected with SON-related conditions. Algorithms developed to predict the effect of missense changes on protein structure and function output the following: SIFT: "Not Available"; PolyPhen-2: "Possibly Damaging"; Align-GVGD: "Not Available". The arginine amino acid residue is found in multiple mammalian species, which suggests that this missense change does not adversely affect protein function. In summary, the available evidence is currently insufficient to determine the role of this variant in disease. Therefore, it has been classified as a Variant of Uncertain Significance.